The following is an entry in ClinVar:

NM_003000.3(SDHB):c.423+1G>T

Gene: SDHB (succinate dehydrogenase complex iron sulfur subunit B; minus strand). Cytogenetic location: 1p36.13.
Variant type: single nucleotide variant.
Coding change: c.423+1G>T on transcript NM_003000.3 (MANE Select); the canonical splice donor site of the intron after coding-DNA position 423, G replaced by T.
Molecular consequence: splice donor variant. On other transcripts: intron variant (1).
Genome position (GRCh38, 1-based): chr1:17,028,599, C>A on the plus strand (G>T on the coding strand, the complement: SDHB is on the minus strand). VCF-style: chr1-17028599-C-A. GRCh37 (hg19) VCF-style: chr1-17355094-C-A.
Other names: c.369+55G>T (NM_001407361.1).
Identifiers: ClinVar variation 1326294 (VCV001326294.8), dbSNP rs398122805, ClinGen allele CA338273795.

ClinVar aggregate classification (germline): Pathogenic. Review status: criteria provided, multiple submitters, no conflicts (2 of 4 stars). 5 submissions from 5 submitters: Pathogenic (4). 1 of the submissions does not count toward it. Last evaluated 2025-09-26.

Conditions:
Pheochromocytoma. Also called: MAX-Related Hereditary Paraganglioma-Pheochromocytoma Syndrome. Identifiers: Orphanet 29072, MedGen C0031511, MONDO:0008233, OMIM 171300, HP:0002666.
Gastrointestinal stromal tumor. Also called: Gastrointestinal stromal tumor, somatic; Gastrointestinal stroma tumor. Identifiers: Orphanet 44890, MedGen C0238198, MeSH D046152, MONDO:0011719, OMIM 606764, HP:0100723.
Pheochromocytoma/paraganglioma syndrome 4. Also called: CAROTID BODY TUMORS AND MULTIPLE EXTRAADRENAL PHEOCHROMOCYTOMAS; PARAGANGLIOMA, FAMILIAL MALIGNANT; PARAGANGLIOMAS, HEREDITARY EXTRAADRENAL; PHEOCHROMOCYTOMA, FAMILIAL EXTRAADRENAL; Paragangliomas 4; SDHB-Related Hereditary Paraganglioma-Pheochromocytoma Syndrome (Paragangliomas 4). Identifiers: Orphanet 29072, MedGen C1861848, MONDO:0007273, OMIM 115310.

Submissions (5):

GeneDx
Classification: Pathogenic. Last evaluated: 2025-09-26. Review status: criteria provided, single submitter. Criteria: GeneDx Variant Classification Process June 2021. Collection method: clinical testing. Allele origin: germline. Affected: yes.
Comment: Canonical splice site variant predicted to result in a null allele in a gene for which loss of function is a known mechanism of disease; Not observed at significant frequency in large population cohorts (gnomAD); This variant is associated with the following publications: (PMID: 36936415, 19411806, 21934479, 25025441, 25371406, 26283294, 28503760, 31492822, 32741965)

3billion
Classification: Pathogenic for Pheochromocytoma/paraganglioma syndrome 4. Last evaluated: 2025-02-24. Review status: criteria provided, single submitter. Criteria: ACMG Guidelines, 2015. Collection method: clinical testing. Allele origin: germline. Affected: yes.
Comment: The variant is not observed in the gnomAD v4.1.0 dataset. Predicted Consequence/Location: Canonical splice site: predicted to alter splicing and result in a loss or disruption of normal protein function. Multiple pathogenic loss-of-function variants are reported downstream of the variant. In silico tools predict the variant to alter splicing and produce an abnormal transcript [SpliceAI: 0.97 (spliceogenicity >=0.2, non-spliceogenicity <0.1)]. The variant has been reported to be associated with SDHB-related disorder (ClinVar ID: VCV001326294 /PMID: 36936415). Therefore, this variant is classified as Pathogenic according to the recommendation of ACMG/AMP guideline.

Labcorp Genetics (formerly Invitae), Labcorp
Classification: Pathogenic for Gastrointestinal stromal tumor; Pheochromocytoma/paraganglioma syndrome 4; Pheochromocytoma. Last evaluated: 2024-09-02. Review status: criteria provided, single submitter. Criteria: Invitae Variant Classification Sherloc (09022015). Collection method: clinical testing. Allele origin: germline.
Comment: This sequence change affects a donor splice site in intron 4 of the SDHB gene. RNA analysis indicates that disruption of this splice site induces altered splicing and likely results in the loss of 18 amino acid residue(s), but is expected to preserve the integrity of the reading-frame. This variant is not present in population databases (gnomAD no frequency). Disruption of this splice site has been observed in individuals with paraganglioma (PGL) and/or pheochromocytoma (PCC) (PMID: 16405730, 19411806, 19825962, 20540712, 21348866, 25047027). It has also been observed to segregate with disease in related individuals. ClinVar contains an entry for this variant (Variation ID: 1326294). Studies have shown that disruption of this splice site results in the activation of a cryptic splice site in exon 4 (PMID: 16405730, 19411806). This variant disrupts a region of the SDHB protein in which other variant(s) (p.Val140Phe) have been determined to be pathogenic (PMID: 16912137, 19189136, 19802898). This suggests that this is a clinically significant region of the protein, and that variants that disrupt it are likely to be disease-causing. For these reasons, this variant has been classified as Pathogenic.

Juno Genomics, Hangzhou Juno Genomics, Inc
Classification: Pathogenic for Pheochromocytoma/paraganglioma syndrome 4. Review status: criteria provided, single submitter. Criteria: ACMG Guidelines, 2015. Collection method: clinical testing. Allele origin: germline.
Comment: Absent from controls (or at extremely low frequency if recessive) in Genome Aggregation Database.;Null variant in a gene where loss of function (LOF) is a known mechanism of disease.;Patient's phenotype or family history is highly specific for a disease with a single genetic etiology.

Department of Pharmacy, The First Affiliated Hospital of Zhengzhou University
Classification: Pathogenic for Pheochromocytoma. Last evaluated: 2021-10-06. Review status: no assertion criteria provided. Collection method: clinical testing. Allele origin: germline. Affected: no. Observed: 1 variant allele. Not counted in ClinVar's aggregate classification.

Literature cited by the submitters: PubMed 36936415 (cited by 3billion); PubMed 16405730 (cited by Labcorp Genetics (formerly Invitae), Labcorp); PubMed 19411806 (cited by Labcorp Genetics (formerly Invitae), Labcorp); PubMed 19825962 (cited by Labcorp Genetics (formerly Invitae), Labcorp); PubMed 20540712 (cited by Labcorp Genetics (formerly Invitae), Labcorp); PubMed 21348866 (cited by Labcorp Genetics (formerly Invitae), Labcorp); PubMed 25047027 (cited by Labcorp Genetics (formerly Invitae), Labcorp); PubMed 16912137 (cited by Labcorp Genetics (formerly Invitae), Labcorp); PubMed 19189136 (cited by Labcorp Genetics (formerly Invitae), Labcorp); PubMed 19802898 (cited by Labcorp Genetics (formerly Invitae), Labcorp).